The following is an entry in ClinVar:

ClinVar aggregate classification (germline): Benign. Review status: criteria provided, multiple submitters, no conflicts (2 of 4 stars). 2 submissions from 2 submitters: Benign (2). Last evaluated 2018-06-18.

Allele frequency attached by ClinVar (database versions not stated): gnomAD exomes 0.27345; 1000 Genomes Project 0.27875; 1000 Genomes Project 30x 0.28420; gnomAD 0.30338 and 0.30742; TOPMed 0.32273.
gnomAD v4.1: 195,999 of 699,202 alleles (28%); highest among the groups gnomAD compares: Admixed American, 41%; 28,664 homozygotes.

Submissions (2):

GeneDx
Classification: Benign. Last evaluated: 2018-06-18. Review status: criteria provided, single submitter. Criteria: GeneDx Variant Classification (06012015). Collection method: clinical testing. Allele origin: germline. Affected: yes.
Comment: This variant is considered likely benign or benign based on one or more of the following criteria: it is a conservative change, it occurs at a poorly conserved position in the protein, it is predicted to be benign by multiple in silico algorithms, and/or has population frequency not consistent with disease.

Breakthrough Genomics
Classification: Benign. Review status: criteria provided, single submitter. Criteria: ACMG Guidelines, 2015. Collection method: not provided. Allele origin: germline. Inheritance: Autosomal dominant inheritance. Affected: yes.

NM_006939.4(SOS2):c.859-90C>T

Gene: SOS2 (SOS Ras/Rho guanine nucleotide exchange factor 2; minus strand). Cytogenetic location: 14q21.3.
Variant type: single nucleotide variant.
Coding change: c.859-90C>T on transcript NM_006939.4 (MANE Select); 90 bases into the intron before coding-DNA position 859, C replaced by T.
Molecular consequence: intron variant.
Genome position (GRCh38, 1-based): chr14:50,180,772, G>A on the plus strand (C>T on the coding strand, the complement: SOS2 is on the minus strand). VCF-style: chr14-50180772-G-A. GRCh37 (hg19) VCF-style: chr14-50647490-G-A.
Identifiers: ClinVar variation 561594 (VCV000561594.2), dbSNP rs28734119, ClinGen allele CA13991575.